The following is an entry in ClinVar:

NM_144988.4(ALG14):c.323G>A (p.Ser108Asn)

Gene: ALG14 (ALG14 UDP-N-acetylglucosaminyltransferase subunit; minus strand). Cytogenetic location: 1p21.3.
Variant type: single nucleotide variant.
Coding change: c.323G>A on transcript NM_144988.4 (MANE Select); coding-DNA position 323, G replaced by A.
Protein change: p.Ser108Asn; replaces serine 108 with asparagine.
Molecular consequence: missense variant. On other transcripts: synonymous variant (1), non-coding transcript variant (1).
Genome position (GRCh38, 1-based): chr1:95,027,226, C>T on the plus strand (G>A on the coding strand, the complement: ALG14 is on the minus strand). VCF-style: chr1-95027226-C-T. GRCh37 (hg19) VCF-style: chr1-95492782-C-T.
Other names: c.360G>A, p.Lys120= (NM_001305242.2); short protein forms S108N.
Identifiers: ClinVar variation 1304004 (VCV001304004.10), dbSNP rs1673848834, ClinGen allele CA341364154.

ClinVar aggregate classification (germline): Uncertain significance. Review status: criteria provided, multiple submitters, no conflicts (2 of 4 stars). 5 submissions from 3 submitters: Uncertain significance (5). Last evaluated 2023-04-11.

Conditions:
Intellectual developmental disorder with epilepsy, behavioral abnormalities, and coarse facies. Identifiers: MedGen C5436646, MONDO:0033572, OMIM 619031.
Myopathy, epilepsy, and progressive cerebral atrophy. Identifiers: MedGen C5436652, MONDO:0033619, OMIM 619036.
Congenital myasthenic syndrome 15. Also called: Myasthenic syndrome, congenital, 15, without tubular aggregates. Identifiers: Orphanet 353327, Orphanet 590, MedGen C4015596, MONDO:0014542, OMIM 616227.

Allele frequency attached by ClinVar (database versions not stated): TOPMed below 0.00001.

Submissions (5):

Genome-Nilou Lab
Classification: Uncertain significance for Congenital myasthenic syndrome 15. Last evaluated: 2023-04-11. Review status: criteria provided, single submitter. Criteria: ACMG Guidelines, 2015. Collection method: clinical testing. Allele origin: germline. Affected: no.

Genome-Nilou Lab
Classification: Uncertain significance for Intellectual developmental disorder with epilepsy, behavioral abnormalities, and coarse facies. Last evaluated: 2023-04-11. Review status: criteria provided, single submitter. Criteria: ACMG Guidelines, 2015. Collection method: clinical testing. Allele origin: germline. Affected: no.

Genome-Nilou Lab
Classification: Uncertain significance for Myopathy, epilepsy, and progressive cerebral atrophy. Last evaluated: 2023-04-11. Review status: criteria provided, single submitter. Criteria: ACMG Guidelines, 2015. Collection method: clinical testing. Allele origin: germline. Affected: no.

Labcorp Genetics (formerly Invitae), Labcorp
Classification: Uncertain significance for Congenital myasthenic syndrome 15. Last evaluated: 2021-05-07. Review status: criteria provided, single submitter. Criteria: Invitae Variant Classification Sherloc (09022015). Collection method: clinical testing. Allele origin: germline.
Comment: Algorithms developed to predict the effect of missense changes on protein structure and function are either unavailable or do not agree on the potential impact of this missense change (SIFT: "Deleterious"; PolyPhen-2: "Probably Damaging"; Align-GVGD: "Class C0"). In summary, the available evidence is currently insufficient to determine the role of this variant in disease. Therefore, it has been classified as a Variant of Uncertain Significance. This variant has not been reported in the literature in individuals with ALG14-related conditions. This variant is not present in population databases (ExAC no frequency). This sequence change replaces serine with asparagine at codon 108 of the ALG14 protein (p.Ser108Asn). The serine residue is highly conserved and there is a small physicochemical difference between serine and asparagine.

GeneDx
Classification: Uncertain significance. Last evaluated: 2021-02-02. Review status: criteria provided, single submitter. Criteria: GeneDx Variant Classification Process June 2021. Collection method: clinical testing. Allele origin: germline. Affected: yes.
Comment: Not observed in large population cohorts (Lek et al., 2016); In silico analysis supports that this missense variant has a deleterious effect on protein structure/function; Has not been previously published as pathogenic or benign to our knowledge